The following is an entry in ClinVar:

NM_000130.5(F5):c.4660G>A (p.Val1554Ile)

Gene: F5 (coagulation factor V; minus strand). Cytogenetic location: 1q24.2.
Variant type: single nucleotide variant.
Coding change: c.4660G>A on transcript NM_000130.5 (MANE Select); coding-DNA position 4660, G replaced by A.
Protein change: p.Val1554Ile; replaces valine 1554 with isoleucine.
Molecular consequence: missense variant.
Genome position (GRCh38, 1-based): chr1:169,540,430, C>T on the plus strand (G>A on the coding strand, the complement: F5 is on the minus strand). VCF-style: chr1-169540430-C-T. GRCh37 (hg19) VCF-style: chr1-169509668-C-T.
Other names: short protein forms V1554I.
Identifiers: ClinVar variation 4755023 (VCV004755023.1).

ClinVar aggregate classification (germline): Uncertain significance (1 of 4 stars; one submission).

Conditions:
Congenital factor V deficiency. Also called: Hereditary factor V deficiency disease; LABILE FACTOR DEFICIENCY; OWREN PARAHEMOPHILIA; PARAHEMOPHILIA. Identifiers: Orphanet 326, MedGen C0015499, MONDO:0009210, OMIM 227400.

gnomAD v4.1: 4 of 1,613,894 alleles (0.00025%); highest among the groups gnomAD compares: African/African-American, 0.0053%; no homozygotes.

Submission:

Labcorp Genetics (formerly Invitae), Labcorp
Classification: Uncertain significance for Congenital factor V deficiency. Last evaluated: 2025-06-13. Review status: criteria provided, single submitter. Criteria: Invitae Variant Classification Sherloc (09022015). Collection method: clinical testing. Allele origin: germline.
Comment: This sequence change replaces valine, which is neutral and non-polar, with isoleucine, which is neutral and non-polar, at codon 1554 of the F5 protein (p.Val1554Ile). This variant is present in population databases (rs369088927, gnomAD 0.01%). This variant has not been reported in the literature in individuals affected with F5-related conditions. Invitae Evidence Modeling of protein sequence and biophysical properties (such as structural, functional, and spatial information, amino acid conservation, physicochemical variation, residue mobility, and thermodynamic stability) indicates that this missense variant is not expected to disrupt F5 protein function with a negative predictive value of 80%. In summary, the available evidence is currently insufficient to determine the role of this variant in disease. Therefore, it has been classified as a Variant of Uncertain Significance.